The following is an entry in ClinVar:

NM_004946.3(DOCK2):c.4878C>A (p.Asp1626Glu)

Gene: DOCK2 (dedicator of cytokinesis 2; plus strand). Cytogenetic location: 5q35.1.
Variant type: single nucleotide variant.
Coding change: c.4878C>A on transcript NM_004946.3 (MANE Select); coding-DNA position 4878, C replaced by A.
Protein change: p.Asp1626Glu; replaces aspartic acid 1626 with glutamic acid.
Molecular consequence: missense variant. On other transcripts: non-coding transcript variant (1).
Genome position (GRCh38, 1-based): chr5:170,077,721, C>A. VCF-style: chr5-170077721-C-A. GRCh37 (hg19) VCF-style: chr5-169504725-C-A.
Other names: short protein forms D1626E.
Identifiers: ClinVar variation 1418997 (VCV001418997.8), dbSNP rs201318538, ClinGen allele CA362115548.

ClinVar aggregate classification (germline): Uncertain significance (1 of 4 stars; one submission).

Conditions:
DOCK2 deficiency. Also called: Immunodeficiency 40. Identifiers: Orphanet 447737, MedGen C4225328, MONDO:0014637, OMIM 616433.

gnomAD v4.1: 2 of 1,613,770 alleles (0.00012%); highest among the groups gnomAD compares: African/African-American, 0.0013%; no homozygotes.

Submission:

Labcorp Genetics (formerly Invitae), Labcorp
Classification: Uncertain significance for DOCK2 deficiency. Last evaluated: 2022-02-10. Review status: criteria provided, single submitter. Criteria: Invitae Variant Classification Sherloc (09022015). Collection method: clinical testing. Allele origin: germline.
Comment: This sequence change replaces aspartic acid, which is acidic and polar, with glutamic acid, which is acidic and polar, at codon 1626 of the DOCK2 protein (p.Asp1626Glu). This variant is not present in population databases (gnomAD no frequency). This variant has not been reported in the literature in individuals affected with DOCK2-related conditions. Algorithms developed to predict the effect of missense changes on protein structure and function output the following: SIFT: "Tolerated"; PolyPhen-2: "Benign"; Align-GVGD: "Class C0". The glutamic acid amino acid residue is found in multiple mammalian species, which suggests that this missense change does not adversely affect protein function. Algorithms developed to predict the effect of sequence changes on RNA splicing suggest that this variant may create or strengthen a splice site. In summary, the available evidence is currently insufficient to determine the role of this variant in disease. Therefore, it has been classified as a Variant of Uncertain Significance.